The following is an entry in ClinVar:

ClinVar aggregate classification (germline): Uncertain significance (1 of 4 stars; one submission).

Conditions:
Brody myopathy. Also called: BRODY DISEASE. Identifiers: Orphanet 53347, MedGen C1832918, MONDO:0010977, OMIM 601003.

Allele frequency attached by ClinVar (database versions not stated): gnomAD exomes below 0.00001.
gnomAD v4.1: 2 of 1,613,702 alleles (0.00012%); highest among the groups gnomAD compares: Admixed American, 0.0017%; no homozygotes.

Submission:

Labcorp Genetics (formerly Invitae), Labcorp
Classification: Uncertain significance for Brody myopathy. Last evaluated: 2022-06-03. Review status: criteria provided, single submitter. Criteria: Invitae Variant Classification Sherloc (09022015). Collection method: clinical testing. Allele origin: germline.
Comment: This variant is not present in population databases (gnomAD no frequency). In summary, the available evidence is currently insufficient to determine the role of this variant in disease. Therefore, it has been classified as a Variant of Uncertain Significance. Algorithms developed to predict the effect of missense changes on protein structure and function are either unavailable or do not agree on the potential impact of this missense change (SIFT: "Deleterious"; PolyPhen-2: "Possibly Damaging"; Align-GVGD: "Class C0"). ClinVar contains an entry for this variant (Variation ID: 965360). This variant has not been reported in the literature in individuals affected with ATP2A1-related conditions. This sequence change replaces serine, which is neutral and polar, with proline, which is neutral and non-polar, at codon 581 of the ATP2A1 protein (p.Ser581Pro).

NM_004320.6(ATP2A1):c.1741T>C (p.Ser581Pro)

Gene: ATP2A1 (ATPase sarcoplasmic/endoplasmic reticulum Ca2+ transporting 1; plus strand). Cytogenetic location: 16p11.2.
Variant type: single nucleotide variant.
Coding change: c.1741T>C on transcript NM_004320.6 (MANE Select); coding-DNA position 1741, T replaced by C.
Protein change: p.Ser581Pro; replaces serine 581 with proline.
Molecular consequence: missense variant.
Genome position (GRCh38, 1-based): chr16:28,898,428, T>C. VCF-style: chr16-28898428-T-C. GRCh37 (hg19) VCF-style: chr16-28909749-T-C.
Other names: c.1366T>C, p.Ser456Pro (NM_001286075.2); c.1741T>C, p.Ser581Pro (NM_173201.5); short protein forms S581P, S456P.
Identifiers: ClinVar variation 965360 (VCV000965360.10), dbSNP rs1963978308, ClinGen allele CA395410091.